The following is an entry in ClinVar:

ClinVar aggregate classification (germline): Uncertain significance (1 of 4 stars; one submission).

Submission:

Labcorp Genetics (formerly Invitae), Labcorp
Classification: Uncertain significance. Last evaluated: 2025-12-10. Review status: criteria provided, single submitter. Criteria: Invitae Variant Classification Sherloc (09022015). Collection method: clinical testing. Allele origin: germline.
Comment: This sequence change falls in intron 12 of the GRIN2D gene. It does not directly change the encoded amino acid sequence of the GRIN2D protein. It affects a nucleotide within the consensus splice site. This variant is present in population databases (no rsID available, gnomAD 0.003%). This variant has not been reported in the literature in individuals affected with GRIN2D-related conditions. Variants that disrupt the consensus splice site are a relatively common cause of aberrant splicing (PMID: 17576681, 9536098). Algorithms developed to predict the effect of sequence changes on RNA splicing suggest that this variant is not likely to affect RNA splicing. In summary, the available evidence is currently insufficient to determine the role of this variant in disease. Therefore, it has been classified as a Variant of Uncertain Significance.

Literature cited by the submitters: PubMed 17576681; PubMed 9536098.

NM_000836.4(GRIN2D):c.2673+4T>C

Gene: GRIN2D (glutamate ionotropic receptor NMDA type subunit 2D; plus strand). Cytogenetic location: 19q13.33.
Variant type: single nucleotide variant.
Coding change: c.2673+4T>C on transcript NM_000836.4 (MANE Select); 4 bases into the intron after coding-DNA position 2673, T replaced by C.
Molecular consequence: intron variant.
Genome position (GRCh38, 1-based): chr19:48,442,386, T>C. VCF-style: chr19-48442386-T-C. GRCh37 (hg19) VCF-style: chr19-48945643-T-C.
Identifiers: ClinVar variation 4692837 (VCV004692837.1).